The following is an entry in ClinVar:

NM_001035.3(RYR2):c.1616C>G (p.Ala539Gly)

Gene: RYR2 (ryanodine receptor 2; plus strand). Cytogenetic location: 1q43.
Variant type: single nucleotide variant.
Coding change: c.1616C>G on transcript NM_001035.3 (MANE Select); coding-DNA position 1616, C replaced by G.
Protein change: p.Ala539Gly; replaces alanine 539 with glycine.
Molecular consequence: missense variant.
Genome position (GRCh38, 1-based): chr1:237,469,095, C>G. VCF-style: chr1-237469095-C-G. GRCh37 (hg19) VCF-style: chr1-237632395-C-G.
Other names: short protein forms A539G.
Identifiers: ClinVar variation 3383889 (VCV003383889.1).

ClinVar aggregate classification (germline): Uncertain significance (1 of 4 stars; one submission).

Submission:

GeneDx
Classification: Uncertain significance. Last evaluated: 2024-05-31. Review status: criteria provided, single submitter. Criteria: GeneDx Variant Classification Process June 2021. Collection method: clinical testing. Allele origin: germline. Affected: yes.
Comment: Not observed at significant frequency in large population cohorts (gnomAD); In silico analysis indicates that this missense variant does not alter protein structure/function; Has not been previously published as pathogenic or benign to our knowledge